The following is an entry in ClinVar:

NM_007294.4(BRCA1):c.2788_2789insTTATCACTGCAGGCTTT (p.Pro930fs)

Gene: BRCA1 (BRCA1 DNA repair associated; minus strand). Cytogenetic location: 17q21.31.
Variant type: Insertion.
Coding change: c.2788_2789insTTATCACTGCAGGCTTT on transcript NM_007294.4 (MANE Select); coding-DNA positions 2788 to 2789, TTATCACTGCAGGCTTT inserted.
Protein change: p.Pro930fs; shifts the reading frame from proline 930.
Molecular consequence: frameshift variant. On other transcripts: intron variant (137).
Genome position: GRCh38 VCF-style: chr17-43092742-G-GAAAGCCTGCAGTGATAA. GRCh37 (hg19) VCF-style: chr17-41244759-G-GAAAGCCTGCAGTGATAA.
Other names: c.2710_2711insTTATCACTGCAGGCTTT, p.Pro904fs (NM_001407657.1, NM_001407658.1, NM_001407663.1 and 4 more transcripts); c.2707_2708insTTATCACTGCAGGCTTT, p.Pro903fs (NM_001407659.1, NM_001407660.1, NM_001407661.1 and 1 more transcripts); c.2665_2666insTTATCACTGCAGGCTTT, p.Pro889fs (NM_001407664.1, NM_001407665.1, NM_001407666.1 and 19 more transcripts); c.2662_2663insTTATCACTGCAGGCTTT, p.Pro888fs (NM_001407670.1, NM_001407671.1, NM_001407672.1 and 11 more transcripts); c.2788_2789insTTATCACTGCAGGCTTT, p.Pro930fs (NM_001407684.1, NM_001407854.1, NM_001407858.1 and 30 more transcripts); c.2647_2648insTTATCACTGCAGGCTTT, p.Pro883fs (NM_001407692.1, NM_001407694.1, NM_001407695.1 and 29 more transcripts); c.2644_2645insTTATCACTGCAGGCTTT, p.Pro882fs (NM_001407740.1, NM_001407741.1, NM_001407742.1 and 20 more transcripts); c.2575_2576insTTATCACTGCAGGCTTT, p.Pro859fs (NM_001407853.1, NM_001407894.1, NM_001407895.1 and 9 more transcripts); and 41 more; short protein forms P883fs, P930fs, P803fs, P842fs, P859fs, P863fs, P904fs, P841fs.
Identifiers: ClinVar variation 548241 (VCV000548241.2), dbSNP rs1555588952, ClinGen allele CA658823989.

ClinVar aggregate classification (germline): Pathogenic (3 of 4 stars; one submission).

Conditions:
Breast-ovarian cancer, familial, susceptibility to, 1 (BROVCA1). Also called: BRCA1 Hereditary Breast and Ovarian Cancer; OVARIAN CANCER, SUSCEPTIBILITY TO. Identifiers: Orphanet 145, MedGen C2676676, MONDO:0011450, OMIM 604370. Disease mechanism: loss of function.

Submission:

Evidence-based Network for the Interpretation of Germline Mutant Alleles (ENIGMA)
Classification: Pathogenic for Breast-ovarian cancer, familial, susceptibility to, 1. Last evaluated: 2017-12-15. Review status: reviewed by expert panel. Criteria: ENIGMA BRCA1/2 Classification Criteria (2017-06-29). Collection method: curation. Allele origin: germline. Study: ENIGMA.
Comment: Variant allele predicted to encode a truncated non-functional protein.